The following is an entry in ClinVar:

NM_001379403.1(WDR26):c.604T>G (p.Ser202Ala)

Gene: WDR26 (WD repeat domain 26; minus strand). Cytogenetic location: 1q42.12.
Variant type: single nucleotide variant.
Coding change: c.604T>G on transcript NM_001379403.1 (MANE Select); coding-DNA position 604, T replaced by G.
Protein change: p.Ser202Ala; replaces serine 202 with alanine.
Molecular consequence: missense variant.
Genome position (GRCh38, 1-based): chr1:224,433,802, A>C on the plus strand (T>G on the coding strand, the complement: WDR26 is on the minus strand). VCF-style: chr1-224433802-A-C. GRCh37 (hg19) VCF-style: chr1-224621504-A-C.
Other names: c.304T>G, p.Ser102Ala (NM_001115113.3, NM_025160.7); short protein forms S102A, S202A.
Identifiers: ClinVar variation 1694545 (VCV001694545.32), dbSNP rs765417177, ClinGen allele CA1415179.

ClinVar aggregate classification (germline): Likely benign. Review status: criteria provided, multiple submitters, no conflicts (2 of 4 stars). 2 submissions from 2 submitters: Likely benign (2). Last evaluated 2025-08-01.

Allele frequency attached by ClinVar (database versions not stated): gnomAD 0.00001; TOPMed 0.00002; gnomAD exomes 0.00004 and 0.00007; ExAC 0.00005.
gnomAD v4.1: 50 of 1,536,774 alleles (0.0033%); highest among the groups gnomAD compares: South Asian, 0.012%; no homozygotes.

Submissions (2):

CeGaT Center for Human Genetics Tuebingen
Classification: Likely benign. Last evaluated: 2025-08-01. Review status: criteria provided, single submitter. Criteria: CeGaT Center For Human Genetics Tuebingen Variant Classification Criteria Version 2. Collection method: clinical testing. Allele origin: germline. Affected: yes. Observed: 2 variant alleles.
Comment: WDR26: BS2

Blueprint Genetics
Classification: Likely benign. Last evaluated: 2023-12-22. Review status: criteria provided, single submitter. Criteria: ACMG Guidelines, 2015. Collection method: clinical testing. Allele origin: germline.